The following is an entry in ClinVar:

ClinVar aggregate classification (germline): Uncertain significance. Review status: criteria provided, multiple submitters, no conflicts (2 of 4 stars). 6 submissions from 6 submitters: Uncertain significance (5). 1 of the submissions does not count toward it. Last evaluated 2026-03-31.

Conditions:
LOXHD1-related disorder. Also called: LOXHD1-related condition.
Inborn genetic diseases. Identifiers: MedGen C0950123, MeSH D030342.
Autosomal recessive nonsyndromic hearing loss 77. Identifiers: Orphanet 90636, MedGen C2746083, MONDO:0013119, OMIM 613079.

Allele frequency attached by ClinVar (database versions not stated): ExAC 0.00013; 1000 Genomes Project 30x 0.00016; 1000 Genomes Project 0.00020.
gnomAD v4.1: 134 of 1,551,690 alleles (0.0086%); highest among the groups gnomAD compares: Admixed American, 0.024%; no homozygotes.

Submissions (6):

PreventionGenetics, part of Exact Sciences
Classification: Uncertain significance for LOXHD1-related condition. Last evaluated: 2026-03-31. Review status: criteria provided, single submitter. Criteria: ACMG Guidelines, 2015. Collection method: clinical testing. Allele origin: germline.
Comment: The LOXHD1 c.3689C>T variant is predicted to result in the amino acid substitution p.Thr1230Met. To our knowledge, this variant has not been reported in the literature. This variant is reported in 0.031% of alleles in individuals of Latino descent in gnomAD. At this time, the clinical significance of this variant is uncertain due to the absence of conclusive functional and genetic evidence.

Ambry Genetics
Classification: Uncertain significance for Inborn genetic diseases. Last evaluated: 2025-10-21. Review status: criteria provided, single submitter. Criteria: Ambry Variant Classification Scheme 2023. Collection method: clinical testing. Allele origin: germline.

Blueprint Genetics
Classification: Uncertain significance. Last evaluated: 2023-12-04. Review status: criteria provided, single submitter. Criteria: ACMG Guidelines, 2015. Collection method: clinical testing. Allele origin: germline.

Labcorp Genetics (formerly Invitae), Labcorp
Classification: Uncertain significance. Last evaluated: 2022-08-09. Review status: criteria provided, single submitter. Criteria: Invitae Variant Classification Sherloc (09022015). Collection method: clinical testing. Allele origin: germline.
Comment: This sequence change replaces threonine, which is neutral and polar, with methionine, which is neutral and non-polar, at codon 1230 of the LOXHD1 protein (p.Thr1230Met). This variant is present in population databases (rs546426989, gnomAD 0.02%). This variant has not been reported in the literature in individuals affected with LOXHD1-related conditions. ClinVar contains an entry for this variant (Variation ID: 449912). Algorithms developed to predict the effect of missense changes on protein structure and function (SIFT, PolyPhen-2, Align-GVGD) all suggest that this variant is likely to be disruptive. In summary, the available evidence is currently insufficient to determine the role of this variant in disease. Therefore, it has been classified as a Variant of Uncertain Significance.

GeneDx
Classification: Uncertain significance. Last evaluated: 2017-08-23. Review status: criteria provided, single submitter. Criteria: GeneDx Variant Classification (06012015). Collection method: clinical testing. Allele origin: germline. Affected: yes.
Comment: The T1230M variant in the LOXHD1 gene has not been reported previously as a pathogenic variant, nor as a benign variant, to our knowledge. The T1230M variant is not observed at a significant frequency in large population cohorts (Lek et al., 2016; 1000 Genomes Consortium et al., 2015; Exome Variant Server). The T1230M variant is a non-conservative amino acid substitution, which occurs at a position that is conserved across species. In silico analysis predicts this variant is probably damaging to the protein structure/function. We interpret T1230M as a variant of uncertain significance.

Natera, Inc.
Classification: Uncertain significance for Autosomal recessive deafness type 77. Last evaluated: 2019-10-28. Review status: no assertion criteria provided. Collection method: clinical testing. Allele origin: germline. Not counted in ClinVar's aggregate classification.

NM_001384474.1(LOXHD1):c.3689C>T (p.Thr1230Met)

Gene: LOXHD1 (lipoxygenase homology PLAT domains 1; minus strand). Cytogenetic location: 18q21.1.
Variant type: single nucleotide variant.
Coding change: c.3689C>T on transcript NM_001384474.1 (MANE Select); coding-DNA position 3689, C replaced by T.
Protein change: p.Thr1230Met; replaces threonine 1230 with methionine.
Molecular consequence: missense variant.
Genome position (GRCh38, 1-based): chr18:46,542,786, G>A on the plus strand (C>T on the coding strand, the complement: LOXHD1 is on the minus strand). VCF-style: chr18-46542786-G-A. GRCh37 (hg19) VCF-style: chr18-44122749-G-A.
Other names: c.356C>T, p.Thr119Met (NM_001145472.3); c.68C>T, p.Thr23Met (NM_001308013.2); c.3689C>T, p.Thr1230Met (NM_144612.7); short protein forms T1230M, T23M, T119M.
Identifiers: ClinVar variation 449912 (VCV000449912.10), dbSNP rs546426989, ClinGen allele CA8952445.